The following is an entry in ClinVar:

ClinVar aggregate classification (germline): Uncertain significance (1 of 4 stars; one submission).

Conditions:
Cardiovascular phenotype. Identifiers: MedGen CN230736.

Allele frequency attached by ClinVar (database versions not stated): gnomAD exomes below 0.00001.
gnomAD v4.1: 1 of 1,613,452 alleles (0.000062%); highest among the groups gnomAD compares: Non-Finnish European, 0.000085%; no homozygotes.

Submission:

Ambry Genetics
Classification: Uncertain significance for Cardiovascular phenotype. Last evaluated: 2019-11-01. Review status: criteria provided, single submitter. Criteria: Ambry Variant Classification Scheme 2023. Collection method: clinical testing. Allele origin: germline.
Comment: The p.I2087T variant (also known as c.6260T>C), located in coding exon 26 of the AKAP9 gene, results from a T to C substitution at nucleotide position 6260. The isoleucine at codon 2087 is replaced by threonine, an amino acid with similar properties. This amino acid position is highly conserved in available vertebrate species. In addition, the in silico prediction for this alteration is inconclusive. Since supporting evidence is limited at this time, the clinical significance of this alteration remains unclear.

NM_005751.5(AKAP9):c.6260T>C (p.Ile2087Thr)

Gene: AKAP9 (A-kinase anchoring protein 9; plus strand). Cytogenetic location: 7q21.2.
Variant type: single nucleotide variant.
Coding change: c.6260T>C on transcript NM_005751.5 (MANE Select); coding-DNA position 6260, T replaced by C.
Protein change: p.Ile2087Thr; replaces isoleucine 2087 with threonine.
Molecular consequence: missense variant.
Genome position (GRCh38, 1-based): chr7:92,066,476, T>C. VCF-style: chr7-92066476-T-C. GRCh37 (hg19) VCF-style: chr7-91695790-T-C.
Other names: c.905T>C, p.Ile302Thr (NM_001379277.1); c.6260T>C, p.Ile2087Thr (NM_147185.3); short protein forms I302T, I2087T.
Identifiers: ClinVar variation 1752498 (VCV001752498.2), dbSNP rs2535208050, ClinGen allele CA368133258.
Genomic context (GRCh38, chr7:92,066,476, plus strand): 5'-TTAAACTTTAGGAGCAAGCCATTGACAGAGAACATGAGAGAGATGTATTCCAACAGGAAA[T>C]ACAGAAACTAGAACAGCAACTTAAGGTTGTTCCTCGATTCCAGCCTATCAGTGAACATCA-3'
Protein context (NP_005742.4, residues 2077-2097): EHERDVFQQE[Ile2087Thr]QKLEQQLKVV